The following is an entry in ClinVar:

NM_002180.3(IGHMBP2):c.1547G>A (p.Arg516His)

Genes: IGHMBP2 (immunoglobulin mu DNA binding protein 2; plus strand), LOC126861245 (CDK7 strongly-dependent group 2 enhancer GRCh37_chr11:68701479-68702678; plus strand). Cytogenetic location: 11q13.3.
Variant type: single nucleotide variant.
Coding change: c.1547G>A on transcript NM_002180.3 (MANE Select); coding-DNA position 1547, G replaced by A.
Protein change: p.Arg516His; replaces arginine 516 with histidine.
Molecular consequence: missense variant.
Genome position (GRCh38, 1-based): chr11:68,934,473, G>A. VCF-style: chr11-68934473-G-A. GRCh37 (hg19) VCF-style: chr11-68701941-G-A.
Other names: short protein forms R516H.
Identifiers: ClinVar variation 917012 (VCV000917012.6), dbSNP rs373017768, ClinGen allele CA6153699.

ClinVar aggregate classification (germline): Uncertain significance. Review status: criteria provided, multiple submitters, no conflicts (2 of 4 stars). 2 submissions from 2 submitters: Uncertain significance (2). Last evaluated 2021-08-14.

Conditions:
Autosomal recessive distal spinal muscular atrophy 1. Also called: HMN VI; NEURONOPATHY, SEVERE INFANTILE AXONAL, WITH RESPIRATORY FAILURE; SEVERE INFANTILE AXONAL NEUROPATHY WITH RESPIRATORY FAILURE; NEURONOPATHY, DISTAL HEREDITARY MOTOR, HARDING TYPE VI; NEUROPATHY, DISTAL HEREDITARY MOTOR, AUTOSOMAL RECESSIVE 1; SPINAL MUSCULAR ATROPHY, DIAPHRAGMATIC. Identifiers: Orphanet 98920, MedGen C1858517, MONDO:0011436, OMIM 604320.
Charcot-Marie-Tooth disease axonal type 2S. Also called: CHARCOT-MARIE-TOOTH DISEASE, AXONAL, AUTOSOMAL RECESSIVE, TYPE 2S; CHARCOT-MARIE-TOOTH NEUROPATHY, TYPE 2S. Identifiers: Orphanet 443073, MedGen C4015349, MONDO:0014511, OMIM 616155.
Charcot-Marie-Tooth disease. Also called: Charcot-Marie-Tooth Hereditary Neuropathy; Charcot-Marie-Tooth Neuropathy. Identifiers: Orphanet 166, MedGen C0007959, MONDO:0015626.

Allele frequency attached by ClinVar (database versions not stated): ExAC 0.00001; gnomAD 0.00001; gnomAD exomes 0.00001; TOPMed 0.00002; ESP Exome Variant Server 0.00008.
gnomAD v4.1: 12 of 1,608,934 alleles (0.00075%); highest among the groups gnomAD compares: East Asian, 0.0022%; no homozygotes.

Submissions (2):

Labcorp Genetics (formerly Invitae), Labcorp
Classification: Uncertain significance for Autosomal recessive distal spinal muscular atrophy 1; Charcot-Marie-Tooth disease axonal type 2S. Last evaluated: 2021-08-14. Review status: criteria provided, single submitter. Criteria: Invitae Variant Classification Sherloc (09022015). Collection method: clinical testing. Allele origin: germline.
Comment: This sequence change replaces arginine with histidine at codon 516 of the IGHMBP2 protein (p.Arg516His). The arginine residue is weakly conserved and there is a small physicochemical difference between arginine and histidine. This variant is present in population databases (rs373017768, ExAC 0.02%). This variant has not been reported in the literature in individuals affected with IGHMBP2-related conditions. ClinVar contains an entry for this variant (Variation ID: 917012). Advanced modeling of protein sequence and biophysical properties (such as structural, functional, and spatial information, amino acid conservation, physicochemical variation, residue mobility, and thermodynamic stability) performed at Invitae indicates that this missense variant is not expected to disrupt IGHMBP2 protein function. In summary, the available evidence is currently insufficient to determine the role of this variant in disease. Therefore, it has been classified as a Variant of Uncertain Significance.

Molecular Genetics Laboratory, London Health Sciences Centre
Classification: Uncertain significance for Charcot-Marie-Tooth disease. Review status: criteria provided, single submitter. Criteria: ACMG Guidelines, 2015. Collection method: clinical testing. Allele origin: germline. Affected: yes.